The following is an entry in ClinVar:

ClinVar aggregate classification (germline): Uncertain significance (1 of 4 stars; one submission).

gnomAD v4.1: 2 of 1,613,660 alleles (0.00012%); highest among the groups gnomAD compares: Non-Finnish European, 0.00017%; no homozygotes.

Submission:

Labcorp Genetics (formerly Invitae), Labcorp
Classification: Uncertain significance. Last evaluated: 2025-03-12. Review status: criteria provided, single submitter. Criteria: Invitae Variant Classification Sherloc (09022015). Collection method: clinical testing. Allele origin: germline.
Comment: This sequence change replaces arginine, which is basic and polar, with lysine, which is basic and polar, at codon 12 of the CDCA7 protein (p.Arg12Lys). This variant is present in population databases (no rsID available, gnomAD 0.0009%). This variant has not been reported in the literature in individuals affected with CDCA7-related conditions. An algorithm developed to predict the effect of missense changes on protein structure and function outputs the following: PolyPhen-2: "Benign". The lysine amino acid residue is found in multiple mammalian species, which suggests that this missense change does not adversely affect protein function. In summary, the available evidence is currently insufficient to determine the role of this variant in disease. Therefore, it has been classified as a Variant of Uncertain Significance.

NM_031942.5(CDCA7):c.35G>A (p.Arg12Lys)

Gene: CDCA7 (cell division cycle associated 7; plus strand). Cytogenetic location: 2q31.1.
Variant type: single nucleotide variant.
Coding change: c.35G>A on transcript NM_031942.5 (MANE Select); coding-DNA position 35, G replaced by A.
Protein change: p.Arg12Lys; replaces arginine 12 with lysine.
Molecular consequence: missense variant.
Genome position (GRCh38, 1-based): chr2:173,358,725, G>A. VCF-style: chr2-173358725-G-A. GRCh37 (hg19) VCF-style: chr2-174223453-G-A.
Other names: c.35G>A, p.Arg12Lys (NM_145810.3); short protein forms R12K.
Identifiers: ClinVar variation 4774886 (VCV004774886.1).